The following is an entry in ClinVar:

NM_004544.4(NDUFA10):c.-37C>G

Gene: NDUFA10 (NADH:ubiquinone oxidoreductase subunit A10; minus strand). Cytogenetic location: 2q37.3.
Variant type: single nucleotide variant.
Coding change: c.-37C>G on transcript NM_004544.4 (MANE Select); 37 bases upstream of the start codon, C replaced by G.
Molecular consequence: 5 prime UTR variant. On other transcripts: non-coding transcript variant (4).
Genome position (GRCh38, 1-based): chr2:240,025,338, G>C on the plus strand (C>G on the coding strand, the complement: NDUFA10 is on the minus strand). VCF-style: chr2-240025338-G-C. GRCh37 (hg19) VCF-style: chr2-240964755-G-C.
Other names: c.-37C>G (NM_001322019.2, NM_001322020.2).
Identifiers: ClinVar variation 516373 (VCV000516373.1), dbSNP rs532866878, ClinGen allele CA2201195.
Genomic context (GRCh38, chr2:240,025,338, plus strand): 5'-CAGCTTCAGGAGCCGCAAGGCCATGGCTACCCGGTCAGCTCAGGATCAAGGACCCAAGGG[G>C]ACGCGGTCGCGACGGGGCCCTCTCTCGCGGCCGGCGCGCTGCCGTGACGTCACGGCCGGG-3'

ClinVar aggregate classification (germline): Likely benign (1 of 4 stars; one submission).

Allele frequency attached by ClinVar (database versions not stated): TOPMed 0.00009; gnomAD 0.00010; 1000 Genomes Project 30x 0.00016; 1000 Genomes Project 0.00020.
gnomAD v4.1: 57 of 1,471,960 alleles (0.0039%); highest among the groups gnomAD compares: Middle Eastern, 0.023%; 1 homozygote.

Submission:

GeneDx
Classification: Likely benign. Last evaluated: 2017-05-22. Review status: criteria provided, single submitter. Criteria: GeneDx Variant Classification (06012015). Collection method: clinical testing. Allele origin: germline. Affected: yes.
Comment: This variant is considered likely benign or benign based on one or more of the following criteria: it is a conservative change, it occurs at a poorly conserved position in the protein, it is predicted to be benign by multiple in silico algorithms, and/or has population frequency not consistent with disease.